The following is an entry in ClinVar:

ClinVar aggregate classification (germline): Uncertain significance (1 of 4 stars; one submission).

Conditions:
Obesity, hyperphagia, and developmental delay (OBHD). Identifiers: Orphanet 99704, MedGen C3151303, MONDO:0013483, OMIM 613886.

Submission:

Institute of Human Genetics, University of Leipzig Medical Center
Classification: Uncertain significance for Obesity, hyperphagia, and developmental delay. Last evaluated: 2024-02-13. Review status: criteria provided, single submitter. Criteria: ACMG Guidelines, 2015. Collection method: clinical testing. Allele origin: unknown. Inheritance: Autosomal dominant inheritance. Affected: yes. Observed: 1 variant allele.
Comment: Criteria applied: PM2_Sup, PP3

NM_006180.6(NTRK2):c.2141C>T (p.Ser714Phe)

Gene: NTRK2 (neurotrophic receptor tyrosine kinase 2; plus strand). Cytogenetic location: 9q21.33.
Variant type: single nucleotide variant.
Coding change: c.2141C>T on transcript NM_006180.6 (MANE Select); coding-DNA position 2141, C replaced by T.
Protein change: p.Ser714Phe; replaces serine 714 with phenylalanine.
Molecular consequence: missense variant.
Genome position (GRCh38, 1-based): chr9:84,955,486, C>T. VCF-style: chr9-84955486-C-T. GRCh37 (hg19) VCF-style: chr9-87570401-C-T.
Other names: c.2093C>T, p.Ser698Phe (NM_001018064.3, NM_001369532.1, NM_001369533.1); c.2057C>T, p.Ser686Phe (NM_001369534.1); c.1625C>T, p.Ser542Phe (NM_001369535.1); c.1673C>T, p.Ser558Phe (NM_001369536.1); c.2141C>T, p.Ser714Phe (NM_001381928.1); short protein forms S542F, S558F, S686F, S698F, S714F.
Identifiers: ClinVar variation 3068736 (VCV003068736.1), dbSNP rs2132979074, ClinGen allele CA374010341.